The following is an entry in ClinVar:

NM_001370259.2(MEN1):c.1192C>T (p.Gln398Ter)

Gene: MEN1 (menin 1; minus strand). Cytogenetic location: 11q13.1.
Variant type: single nucleotide variant.
Coding change: c.1192C>T on transcript NM_001370259.2 (MANE Select); coding-DNA position 1192, C replaced by T.
Protein change: p.Gln398Ter; replaces glutamine 398 with a stop codon.
Molecular consequence: nonsense.
Genome position (GRCh38, 1-based): chr11:64,805,192, G>A on the plus strand (C>T on the coding strand, the complement: MEN1 is on the minus strand). VCF-style: chr11-64805192-G-A. GRCh37 (hg19) VCF-style: chr11-64572664-G-A.
Other names: c.1207C>T, p.Gln403Ter (NM_000244.4, NM_130800.3, NM_130801.3 and 3 more transcripts); c.1318C>T, p.Gln440Ter (NM_001370251.2); c.1192C>T, p.Gln398Ter (NM_001370260.2, NM_001370261.2, NM_130799.3); c.1087C>T, p.Gln363Ter (NM_001370262.2, NM_001370263.2); short protein forms Q398*, Q403*, Q363*, Q440*.
Identifiers: ClinVar variation 265239 (VCV000265239.6), dbSNP rs886039418, ClinGen allele CA10588529.

ClinVar aggregate classification (germline): Pathogenic. Review status: criteria provided, multiple submitters, no conflicts (2 of 4 stars). 3 submissions from 3 submitters: Pathogenic (3). Last evaluated 2024-10-03.

Conditions:
Hereditary cancer-predisposing syndrome. Also called: Tumor predisposition; Neoplastic Syndromes, Hereditary; Hereditary neoplastic syndrome; Hereditary Cancer Syndrome. Identifiers: Orphanet 140162, MedGen C0027672, MeSH D009386, MONDO:0015356.
Multiple endocrine neoplasia, type 1 (MEN1). Also called: MEN I; WERMER SYNDROME; Endocrine adenomatosis multiple; MEN 1; MEA I. Identifiers: Orphanet 652, MedGen C0025267, MeSH D018761, MONDO:0007540, OMIM 131100.

Submissions (3):

Labcorp Genetics (formerly Invitae), Labcorp
Classification: Pathogenic for Multiple endocrine neoplasia, type 1. Last evaluated: 2024-10-03. Review status: criteria provided, single submitter. Criteria: Invitae Variant Classification Sherloc (09022015). Collection method: clinical testing. Allele origin: germline.
Comment: This sequence change creates a premature translational stop signal (p.Gln398*) in the MEN1 gene. It is expected to result in an absent or disrupted protein product. Loss-of-function variants in MEN1 are known to be pathogenic (PMID: 12112656, 17853334). This variant is not present in population databases (gnomAD no frequency). This premature translational stop signal has been observed in individual(s) with multiple endocrine neoplasia type 1 (PMID: 10849016, 29927501). ClinVar contains an entry for this variant (Variation ID: 265239). For these reasons, this variant has been classified as Pathogenic.

Ambry Genetics
Classification: Pathogenic for Hereditary cancer-predisposing syndrome. Last evaluated: 2024-07-19. Review status: criteria provided, single submitter. Criteria: Ambry Variant Classification Scheme 2023. Collection method: clinical testing. Allele origin: germline.
Comment: The p.Q398* pathogenic mutation (also known as c.1192C>T), located in coding exon 8 of the MEN1 gene, results from a C to T substitution at nucleotide position 1192. This changes the amino acid from a glutamine to a stop codon within coding exon 8. This variant was reported in multiple individuals with features consistent with multiple endocrine neoplasia type 1 (Roijers JF et al. Eur J Clin Invest. 2000 Jun;30:487-92; Pieterman CR et al. Ann Surg. 2012 Jun;255:1171-8; van Asselt SJ et al. Gastrointest Endosc. 2015 Jan;81:159-167.e2; Makri A et al. Clin Endocrinol (Oxf). 2018 Oct;89:437-443; van den Broek MFM et al. J Clin Endocrinol Metab. 2021 Jan;106:e1014-e1027; Ambry internal data). This variant is considered to be rare based on population cohorts in the Genome Aggregation Database (gnomAD). This alteration is expected to result in loss of function by premature protein truncation or nonsense-mediated mRNA decay. As such, this alteration is interpreted as a disease-causing mutation.

GeneDx
Classification: Pathogenic. Last evaluated: 2016-03-30. Review status: criteria provided, single submitter. Criteria: GeneDx Variant Classification (06012015). Collection method: clinical testing. Allele origin: germline. Affected: yes.
Comment: The Q398X nonsense variant in the MEN1 gene has been reported previously in at least one individual meeting clinical diagnostic criteria for multiple endocrine neoplasia type 1 (Roijers et al., 2000). This variant was not observed in approximately 6,500 individuals of European and African American ancestry in the NHLBI Exome Sequencing Project, indicating it is not a common benign variant in these populations. In addition, this variant is predicted to cause loss of normal protein function either through protein truncation or nonsense-mediated mRNA decay. Given the currently available evidence, we consider Q398X to be pathogenic.

Literature cited by the submitters: PubMed 12112656 (cited by Labcorp Genetics (formerly Invitae), Labcorp); PubMed 17853334 (cited by Labcorp Genetics (formerly Invitae), Labcorp); PubMed 10849016 (cited by Labcorp Genetics (formerly Invitae), Labcorp and Ambry Genetics); PubMed 29927501 (cited by Labcorp Genetics (formerly Invitae), Labcorp and Ambry Genetics); PubMed 22470073 (cited by Ambry Genetics); PubMed 25527055 (cited by Ambry Genetics); PubMed 33135721 (cited by Ambry Genetics).